The following is an entry in ClinVar:

ClinVar aggregate classification (germline): Likely pathogenic. Review status: criteria provided, multiple submitters, no conflicts (2 of 4 stars). 3 submissions from 3 submitters: Likely pathogenic (3). Last evaluated 2025-02-07.

Conditions:
Galactosylceramide beta-galactosidase deficiency. Also called: Krabbe Disease; Leukodystrophy, Globoid Cell; GALACTOCEREBROSIDASE DEFICIENCY; GALC DEFICIENCY; GLOBOID CELL LEUKOENCEPHALOPATHY. Identifiers: Orphanet 487, MedGen C0023521, MONDO:0009499, OMIM 245200.

Submissions (3):

Natera, Inc.
Classification: Likely pathogenic for Galactosylceramide beta-galactosidase deficiency. Last evaluated: 2025-02-07. Review status: criteria provided, single submitter. Criteria: Natera Variant Classification Schema (03/2026). Collection method: clinical testing. Allele origin: germline.
Comment: The c.175G>A variant in GALC is a missense variant predicted to cause substitution of glycine to serine at amino acid 59. This variant is rare in the general population with a frequency below the threshold expected for the associated phenotype(s). This variant has been observed in one or more individuals affected with the associated recessive disease, as either homozygous or compound heterozygous with a second variant (PMID: 29966168). A different variant at the same position has been determined to be Pathogenic or Likely Pathogenic. Computational prediction algorithms indicate this variant is likely to affect gene or protein function. Given the available evidence, this variant is classified as Likely Pathogenic.

Women's Health and Genetics/Laboratory Corporation of America, LabCorp
Classification: Likely pathogenic for Galactosylceramide beta-galactosidase deficiency. Last evaluated: 2024-06-25. Review status: criteria provided, single submitter. Criteria: LabCorp Variant Classification Summary - May 2015. Collection method: clinical testing. Allele origin: germline.
Comment: Variant summary: GALC c.175G>A (p.Gly59Ser) results in a non-conservative amino acid change in the encoded protein sequence. Five of five in-silico tools predict a damaging effect of the variant on protein function. The frequency data for this variant in gnomAD is considered unreliable, as metrics indicate poor data quality at this position. c.175G>A has been reported in the literature in biallelic individuals affected with Krabbe Disease (Wu_2023, Li_2018). These data indicate that the variant may be associated with disease. A different variant affecting the same codon has been classified as pathogenic (c.175G>C, p.Gly59Arg) (Variation ID: 2736148), supporting the critical relevance of codon 59 to GALC protein function.To our knowledge, no experimental evidence demonstrating an impact on protein function has been reported. The following publications have been ascertained in the context of this evaluation (PMID: 29966168, 36380532). ClinVar contains an entry for this variant (Variation ID: 1467235). Based on the evidence outlined above, the variant was classified as likely pathogenic.

Labcorp Genetics (formerly Invitae), Labcorp
Classification: Likely pathogenic for Galactosylceramide beta-galactosidase deficiency. Last evaluated: 2022-10-31. Review status: criteria provided, single submitter. Criteria: Invitae Variant Classification Sherloc (09022015). Collection method: clinical testing. Allele origin: germline.
Comment: This variant has not been reported in the literature in individuals affected with GALC-related conditions. In summary, the currently available evidence indicates that the variant is pathogenic, but additional data are needed to prove that conclusively. Therefore, this variant has been classified as Likely Pathogenic. This variant disrupts the p.Gly59 amino acid residue in GALC. Other variant(s) that disrupt this residue have been determined to be pathogenic (PMID: 10234611, 24252386). This suggests that this residue is clinically significant, and that variants that disrupt this residue are likely to be disease-causing. Advanced modeling of protein sequence and biophysical properties (such as structural, functional, and spatial information, amino acid conservation, physicochemical variation, residue mobility, and thermodynamic stability) performed at Invitae indicates that this missense variant is expected to disrupt GALC protein function. ClinVar contains an entry for this variant (Variation ID: 1467235). This variant is not present in population databases (gnomAD no frequency). This sequence change replaces glycine, which is neutral and non-polar, with serine, which is neutral and polar, at codon 59 of the GALC protein (p.Gly59Ser).

Literature cited by the submitters: PubMed 29966168 (cited by Natera, Inc. and Women's Health and Genetics/Laboratory Corporation of America, LabCorp); PubMed 36380532 (cited by Women's Health and Genetics/Laboratory Corporation of America, LabCorp); PubMed 10234611 (cited by Labcorp Genetics (formerly Invitae), Labcorp); PubMed 24252386 (cited by Labcorp Genetics (formerly Invitae), Labcorp).

NM_000153.4(GALC):c.175G>A (p.Gly59Ser)

Genes: GALC (galactosylceramidase; minus strand), LOC130056217 (ATAC-STARR-seq lymphoblastoid silent region 5988; plus strand). Cytogenetic location: 14q31.3.
Variant type: single nucleotide variant.
Coding change: c.175G>A on transcript NM_000153.4 (MANE Select); coding-DNA position 175, G replaced by A.
Protein change: p.Gly59Ser; replaces glycine 59 with serine.
Molecular consequence: missense variant. On other transcripts: intron variant (1).
Genome position (GRCh38, 1-based): chr14:87,992,990, C>T on the plus strand (G>A on the coding strand, the complement: GALC is on the minus strand). VCF-style: chr14-87992990-C-T. GRCh37 (hg19) VCF-style: chr14-88459334-C-T.
Other names: c.175G>A, p.Gly59Ser (NM_001201401.2); c.117+393G>A (NM_001201402.2); c.175G>A (NM_000153.3); short protein forms G59S.
Identifiers: ClinVar variation 1467235 (VCV001467235.11), dbSNP rs764757647, ClinGen allele CA7297493.